The following is an entry in ClinVar:

ClinVar aggregate classification (germline): Likely benign. Review status: criteria provided, multiple submitters, no conflicts (2 of 4 stars). 2 submissions from 2 submitters: Likely benign (2). Last evaluated 2018-06-16.

Allele frequency attached by ClinVar (database versions not stated): TOPMed 0.01050; gnomAD 0.01062 and 0.01030; 1000 Genomes Project 30x 0.00781; 1000 Genomes Project 0.00799; gnomAD exomes 0.01017.

Submissions (2):

GeneDx
Classification: Likely benign. Last evaluated: 2018-06-16. Review status: criteria provided, single submitter. Criteria: GeneDx Variant Classification (06012015). Collection method: clinical testing. Allele origin: germline. Affected: yes.
Comment: This variant is considered likely benign or benign based on one or more of the following criteria: it is a conservative change, it occurs at a poorly conserved position in the protein, it is predicted to be benign by multiple in silico algorithms, and/or has population frequency not consistent with disease.

Breakthrough Genomics
Classification: Likely benign. Review status: criteria provided, single submitter. Criteria: ACMG Guidelines, 2015. Collection method: not provided. Allele origin: germline. Inheritance: Autosomal recessive inheritance. Affected: yes.

NM_015662.3(IFT172):c.184-81A>T

Gene: IFT172 (intraflagellar transport 172; minus strand). Cytogenetic location: 2p23.3.
Variant type: single nucleotide variant.
Coding change: c.184-81A>T on transcript NM_015662.3 (MANE Select); 81 bases into the intron before coding-DNA position 184, A replaced by T.
Molecular consequence: intron variant.
Genome position (GRCh38, 1-based): chr2:27,485,211, T>A on the plus strand (A>T on the coding strand, the complement: IFT172 is on the minus strand). VCF-style: chr2-27485211-T-A. GRCh37 (hg19) VCF-style: chr2-27708078-T-A.
Identifiers: ClinVar variation 681860 (VCV000681860.2), dbSNP rs55759707, ClinGen allele CA11333943.